The following is an entry in ClinVar:

ClinVar aggregate classification (germline): Conflicting classifications of pathogenicity. Review status: criteria provided, conflicting classifications (1 of 4 stars). 2 submissions from 2 submitters: Uncertain significance (1); Likely benign (1). Last evaluated 2025-09-03.

Conditions:
Charcot-Marie-Tooth disease type 2. Also called: Charcot-Marie-Tooth type 2. Identifiers: Orphanet 64746, MedGen C0270914, MONDO:0018993.

Allele frequency attached by ClinVar (database versions not stated): TOPMed 0.00002; gnomAD exomes 0.00001; gnomAD 0.00003.
gnomAD v4.1: 7 of 1,613,640 alleles (0.00043%); highest among the groups gnomAD compares: African/African-American, 0.0053%; no homozygotes.

Submissions (2):

Labcorp Genetics (formerly Invitae), Labcorp
Classification: Uncertain significance for Charcot-Marie-Tooth disease type 2. Last evaluated: 2025-09-03. Review status: criteria provided, single submitter. Criteria: Invitae Variant Classification Sherloc (09022015). Collection method: clinical testing. Allele origin: germline.
Comment: This sequence change replaces arginine, which is basic and polar, with cysteine, which is neutral and slightly polar, at codon 1099 of the KIF1B protein (p.Arg1099Cys). This variant is present in population databases (no rsID available, gnomAD 0.02%). This variant has not been reported in the literature in individuals affected with KIF1B-related conditions. ClinVar contains an entry for this variant (Variation ID: 1399544). An algorithm developed to predict the effect of missense changes on protein structure and function (PolyPhen-2) suggests that this variant is likely to be disruptive. In summary, the available evidence is currently insufficient to determine the role of this variant in disease. Therefore, it has been classified as a Variant of Uncertain Significance.

Ambry Genetics
Classification: Likely benign. Last evaluated: 2023-02-13. Review status: criteria provided, single submitter. Criteria: Ambry Variant Classification Scheme 2023. Collection method: clinical testing. Allele origin: germline.

NM_001365951.3(KIF1B):c.3433C>T (p.Arg1145Cys)

Gene: KIF1B (kinesin family member 1B; plus strand). Cytogenetic location: 1p36.22.
Variant type: single nucleotide variant.
Coding change: c.3433C>T on transcript NM_001365951.3 (MANE Select); coding-DNA position 3433, C replaced by T.
Protein change: p.Arg1145Cys; replaces arginine 1145 with cysteine.
Molecular consequence: missense variant.
Genome position (GRCh38, 1-based): chr1:10,339,779, C>T. VCF-style: chr1-10339779-C-T. GRCh37 (hg19) VCF-style: chr1-10399837-C-T.
Other names: c.3433C>T, p.Arg1145Cys (NM_001365952.1); c.3295C>T, p.Arg1099Cys (NM_015074.3); short protein forms R1099C, R1145C.
Identifiers: ClinVar variation 1399544 (VCV001399544.10), dbSNP rs1394199064, ClinGen allele CA338340912.